The following is an entry in ClinVar:

ClinVar aggregate classification (germline): Likely pathogenic. Review status: criteria provided, multiple submitters, no conflicts (2 of 4 stars). 2 submissions from 2 submitters: Likely pathogenic (2). Last evaluated 2021-12-02.

Allele frequency attached by ClinVar (database versions not stated): TOPMed below 0.00001; gnomAD 0.00001.
gnomAD v4.1: 1 of 1,614,040 alleles (0.000062%); highest among the groups gnomAD compares: Non-Finnish European, 0.000085%; no homozygotes.

Submissions (2):

Labcorp Genetics (formerly Invitae), Labcorp
Classification: Likely pathogenic. Last evaluated: 2021-12-02. Review status: criteria provided, single submitter. Criteria: Invitae Variant Classification Sherloc (09022015). Collection method: clinical testing. Allele origin: germline.
Comment: This sequence change replaces asparagine, which is neutral and polar, with lysine, which is basic and polar, at codon 256 of the CPA1 protein (p.Asn256Lys). This variant is not present in population databases (gnomAD no frequency). This missense change has been observed in individuals with non-alcoholic chronic pancreatitis (PMID: 23955596). ClinVar contains an entry for this variant (Variation ID: 871495). Algorithms developed to predict the effect of missense changes on protein structure and function (SIFT, PolyPhen-2, Align-GVGD) all suggest that this variant is likely to be disruptive. Experimental studies have shown that this missense change affects CPA1 function (PMID: 23955596, 30045879). In summary, the currently available evidence indicates that the variant is pathogenic, but additional data are needed to prove that conclusively. Therefore, this variant has been classified as Likely Pathogenic.

CeGaT Center for Human Genetics Tuebingen
Classification: Likely pathogenic. Last evaluated: 2019-09-01. Review status: criteria provided, single submitter. Criteria: CeGaT Center For Human Genetics Tuebingen Variant Classification Criteria Version 2. Collection method: clinical testing. Allele origin: germline. Affected: yes. Observed: 1 variant allele.

Literature cited by the submitters: PubMed 23955596 (cited by Labcorp Genetics (formerly Invitae), Labcorp); PubMed 30045879 (cited by Labcorp Genetics (formerly Invitae), Labcorp).

NM_001868.4(CPA1):c.768C>G (p.Asn256Lys)

Gene: CPA1 (carboxypeptidase A1; plus strand). Cytogenetic location: 7q32.2.
Variant type: single nucleotide variant.
Coding change: c.768C>G on transcript NM_001868.4 (MANE Select); coding-DNA position 768, C replaced by G.
Protein change: p.Asn256Lys; replaces asparagine 256 with lysine.
Molecular consequence: missense variant.
Genome position (GRCh38, 1-based): chr7:130,384,607, C>G. VCF-style: chr7-130384607-C-G. GRCh37 (hg19) VCF-style: chr7-130024448-C-G.
Other names: short protein forms N256K.
Identifiers: ClinVar variation 871495 (VCV000871495.45), dbSNP rs1796449608, ClinGen allele CA369283029.
Genomic context (GRCh38, chr7:130,384,607, plus strand): 5'-GCGCAAGACTCGGTCCCACACAGCAGGCTCCCTCTGTATTGGCGTGGACCCCAACAGGAA[C>G]TGGGACGCTGGCTTTGGGTGTAAGGCCCAGAGTGTCTTGGGAGCAAGGATGGGATGGCCT-3'
Protein context (NP_001859.1, residues 246-266): SLCIGVDPNR[Asn256Lys]WDAGFGLSGA